The following is an entry in ClinVar:

ClinVar aggregate classification (germline): Uncertain significance (1 of 4 stars; one submission).

Conditions:
Hereditary cancer-predisposing syndrome. Also called: Tumor predisposition; Neoplastic Syndromes, Hereditary; Hereditary neoplastic syndrome; Hereditary Cancer Syndrome. Identifiers: Orphanet 140162, MedGen C0027672, MeSH D009386, MONDO:0015356.

Submission:

Color Diagnostics, LLC DBA Color Health
Classification: Uncertain significance for Hereditary cancer-predisposing syndrome. Last evaluated: 2024-03-06. Review status: criteria provided, single submitter. Criteria: ACMG Guidelines, 2015. Collection method: clinical testing. Allele origin: germline.
Comment: This variant causes a substitution of two amino acid in exon 13 of the ATM protein. To our knowledge, functional studies have not been reported for this variant. This variant has not been reported in individuals affected with ATM-related disorders in the literature. This variant has not been identified in the general population by the Genome Aggregation Database (gnomAD). The available evidence is insufficient to determine the role of this variant in disease conclusively. Therefore, this variant is classified as a Variant of Uncertain Significance.

NM_000051.4(ATM):c.1979_1981delinsAGA (p.Met660_Asp661delinsLysAsn)

Gene: ATM (ATM serine/threonine kinase; plus strand). Cytogenetic location: 11q22.3.
Variant type: Indel.
Coding change: c.1979_1981delinsAGA on transcript NM_000051.4 (MANE Select); coding-DNA positions 1979 to 1981, TGG replaced by AGA.
Protein change: p.Met660_Asp661delinsLysAsn.
Molecular consequence: missense variant.
Genome position (GRCh38, 1-based): chr11:108,253,894-108,253,896, TGG replaced by AGA. VCF-style: chr11-108253894-TGG-AGA. GRCh37 (hg19) VCF-style: chr11-108124621-TGG-AGA.
Other names: c.1979_1981delinsAGA, p.Met660_Asp661delinsLysAsn (NM_001351834.2).
Identifiers: ClinVar variation 630885 (VCV000630885.5), dbSNP rs1565390104, ClinGen allele CA913188454.
Genomic context (GRCh38, chr11:108,253,894, plus strand): 5'-AAGAAGAACTTTCATTCTCAGAAGTAGAAGAACTATTTCTTCAGACAACTTTTGACAAGA[TGG>AGA]ACTTTTTAACCATTGTGAGAGAATGTGGTATAGAAAAGCACCAGTCCAGTATTGGCTTCT-3'